The following is an entry in ClinVar:

ClinVar aggregate classification (germline): Likely pathogenic (1 of 4 stars; one submission).

Conditions:
Kabuki syndrome 1 (KABUK1). Also called: KMT2D-Related Kabuki Syndrome. Identifiers: Orphanet 2322, MedGen CN030661, MONDO:0007843, OMIM 147920.

Submission:

Department of Pediatric Genetics, University of Health Sciences, Ankara Bilkent City Children’s Hospital
Classification: Likely pathogenic for Kabuki syndrome 1. Last evaluated: 2024-12-01. Review status: criteria provided, single submitter. Criteria: ACMG Guidelines, 2015. Collection method: clinical testing. Allele origin: de novo. Affected: yes.
Comment: The c.4296del variant in the KMT2D gene (NM_003482.4) is a frameshift variant located in exon 5 and has not been previously reported in ClinVar. This variant is predicted to result in loss of function due to a truncated or absent protein (PVS1). The allele frequency of this variant is not reported, and it is absent from population databases such as gnomAD (PM2). PM6 was applied because the variant represents a de novo occurrence in a patient with the disease and no family history. The patient's clinical features are highly specific and strongly correlated with the gene in question, for which a single genetic etiology is well established. Therefore, PP4 was considered applicable. In summary, this variant meets the criteria to be classified as likely pathogenic for Kabuki syndrome 1 (#147920), based on the ACMG guidelines (Richards et al., 2015), with supporting evidence from criteria PVS1, PM6, PM2, and PP4.

NM_003482.4(KMT2D):c.4296del (p.Cys1433fs)

Gene: KMT2D (lysine methyltransferase 2D; minus strand). Cytogenetic location: 12q13.12.
Variant type: Deletion.
Coding change: c.4296del on transcript NM_003482.4 (MANE Select); coding-DNA position 4296, one base deleted (G; older notation c.4296delG).
Protein change: p.Cys1433fs; shifts the reading frame from cysteine 1433.
Molecular consequence: frameshift variant.
Genome position (GRCh38, 1-based): chr12:49,046,731, C deleted on the plus strand (G on the coding strand, the reverse complement: KMT2D is on the minus strand). VCF-style (leftmost placement, unchanged base first): chr12-49046730-AC-A. GRCh37 (hg19) VCF-style: chr12-49440513-AC-A.
Other names: short protein forms C1433fs.
Identifiers: ClinVar variation 4073588 (VCV004073588.1).